The following is an entry in ClinVar:

ClinVar aggregate classification (germline): Uncertain significance (1 of 4 stars; one submission).

gnomAD v4.1: 3 of 1,326,416 alleles (0.00023%); highest among the groups gnomAD compares: Non-Finnish European, 0.00029%; no homozygotes.

Submission:

Labcorp Genetics (formerly Invitae), Labcorp
Classification: Uncertain significance. Last evaluated: 2024-04-25. Review status: criteria provided, single submitter. Criteria: Invitae Variant Classification Sherloc (09022015). Collection method: clinical testing. Allele origin: germline.
Comment: This sequence change replaces proline, which is neutral and non-polar, with leucine, which is neutral and non-polar, at codon 41 of the KDM1A protein (p.Pro41Leu). This variant is not present in population databases (gnomAD no frequency). This variant has not been reported in the literature in individuals affected with KDM1A-related conditions. An algorithm developed to predict the effect of missense changes on protein structure and function (PolyPhen-2) suggests that this variant is likely to be tolerated. In summary, the available evidence is currently insufficient to determine the role of this variant in disease. Therefore, it has been classified as a Variant of Uncertain Significance.

NM_001009999.3(KDM1A):c.122C>T (p.Pro41Leu)

Gene: KDM1A (lysine demethylase 1A; plus strand). Cytogenetic location: 1p36.12.
Variant type: single nucleotide variant.
Coding change: c.122C>T on transcript NM_001009999.3 (MANE Select); coding-DNA position 122, C replaced by T.
Protein change: p.Pro41Leu; replaces proline 41 with leucine.
Molecular consequence: missense variant.
Genome position (GRCh38, 1-based): chr1:23,019,718, C>T. VCF-style: chr1-23019718-C-T. GRCh37 (hg19) VCF-style: chr1-23346211-C-T.
Other names: c.122C>T, p.Pro41Leu (NM_001363654.2, NM_001410762.1, NM_001410763.1 and 1 more transcripts); short protein forms P41L.
Identifiers: ClinVar variation 3688846 (VCV003688846.2).